The following is an entry in ClinVar:

ClinVar aggregate classification (germline): Uncertain significance (1 of 4 stars; one submission).

Conditions:
Pitt-Hopkins-like syndrome 2 (PTHSL2). Identifiers: Orphanet 221150, Orphanet 600663, MedGen C3280479, MONDO:0013690, OMIM 614325.

Allele frequency attached by ClinVar (database versions not stated): gnomAD exomes below 0.00001.

Submission:

Labcorp Genetics (formerly Invitae), Labcorp
Classification: Uncertain significance for Pitt-Hopkins-like syndrome 2. Last evaluated: 2021-11-10. Review status: criteria provided, single submitter. Criteria: Invitae Variant Classification Sherloc (09022015). Collection method: clinical testing. Allele origin: germline.
Comment: In summary, the available evidence is currently insufficient to determine the role of this variant in disease. Therefore, it has been classified as a Variant of Uncertain Significance. Algorithms developed to predict the effect of missense changes on protein structure and function are either unavailable or do not agree on the potential impact of this missense change (SIFT: "Tolerated"; PolyPhen-2: "Probably Damaging"; Align-GVGD: "Class C0"). This variant has not been reported in the literature in individuals affected with NRXN1-related conditions. This variant is not present in population databases (gnomAD no frequency). This sequence change replaces arginine, which is basic and polar, with lysine, which is basic and polar, at codon 1035 of the NRXN1 protein (p.Arg1035Lys).

NM_001330078.2(NRXN1):c.2984G>A (p.Arg995Lys)

Gene: NRXN1 (neurexin 1; minus strand). Cytogenetic location: 2p16.3.
Variant type: single nucleotide variant.
Coding change: c.2984G>A on transcript NM_001330078.2 (MANE Select); coding-DNA position 2984, G replaced by A.
Protein change: p.Arg995Lys; replaces arginine 995 with lysine.
Molecular consequence: missense variant.
Genome position (GRCh38, 1-based): chr2:50,495,991, C>T on the plus strand (G>A on the coding strand, the complement: NRXN1 is on the minus strand). VCF-style: chr2-50495991-C-T. GRCh37 (hg19) VCF-style: chr2-50723129-C-T.
Other names: c.3104G>A, p.Arg1035Lys (NM_001135659.3); c.2960G>A, p.Arg987Lys (NM_001330077.2, NM_001330082.2); c.2918G>A, p.Arg973Lys (NM_001330083.2, NM_001330084.2); c.2957G>A, p.Arg986Lys (NM_001330085.2); c.2984G>A, p.Arg995Lys (NM_001330086.2, NM_004801.6); c.2873G>A, p.Arg958Lys (NM_001330087.2, NM_001330096.2); c.2903G>A, p.Arg968Lys (NM_001330088.2); c.2981G>A, p.Arg994Lys (NM_001330093.2); and 2 more; short protein forms R994K, R968K, R986K, R995K, R1035K, R973K, R978K, R958K.
Identifiers: ClinVar variation 1490794 (VCV001490794.6), dbSNP rs202109253, ClinGen allele CA47358998.
Genomic context (GRCh38, chr2:50,495,991, plus strand): 5'-GCGGTGATTTGCGTTGTGATTTTTGTGTCAATCTTTACAGTGTGGAGGTTGCTGGTGTCC[C>T]TTGATATCATCACGTTGTGCCACTGATTGTCATTGAGAGGTTTATTTGAGCTTCCTTTGA-3'
Protein context (NP_001317007.1, residues 985-1005): DNQWHNVMIS[Arg995Lys]DTSNLHTVKI